The following is an entry in ClinVar:

NM_080632.3(UPF3B):c.506C>T (p.Thr169Ile)

Gene: UPF3B (UPF3B regulator of nonsense mediated mRNA decay; minus strand). Cytogenetic location: Xq24.
Variant type: single nucleotide variant.
Coding change: c.506C>T on transcript NM_080632.3 (MANE Select); coding-DNA position 506, C replaced by T.
Protein change: p.Thr169Ile; replaces threonine 169 with isoleucine.
Molecular consequence: missense variant.
Genome position (GRCh38, 1-based): chrX:119,843,265, G>A on the plus strand (C>T on the coding strand, the complement: UPF3B is on the minus strand). VCF-style: chrX-119843265-G-A. GRCh37 (hg19) VCF-style: chrX-118977228-G-A.
Other names: c.506C>T, p.Thr169Ile (NM_023010.4); short protein forms T169I.
Identifiers: ClinVar variation 1801178 (VCV001801178.1), dbSNP rs2521536368, ClinGen allele CA414184852.

ClinVar aggregate classification (germline): Uncertain significance (1 of 4 stars; one submission).

Submission:

GeneDx
Classification: Uncertain significance. Last evaluated: 2022-05-26. Review status: criteria provided, single submitter. Criteria: GeneDx Variant Classification Process June 2021. Collection method: clinical testing. Allele origin: germline. Affected: yes.
Comment: Not observed at significant frequency in large population cohorts (gnomAD); In silico analysis supports that this missense variant does not alter protein structure/function; Has not been previously published as pathogenic or benign to our knowledge